The following is an entry in ClinVar:

NM_019842.4(KCNQ5):c.89G>A (p.Gly30Glu)

Genes: KCNQ5 (potassium voltage-gated channel subfamily Q member 5; plus strand), KCNQ5-DT (KCNQ5 divergent transcript; minus strand), LOC129996711 (ATAC-STARR-seq lymphoblastoid silent region 17329; plus strand). Cytogenetic location: 6q13.
Variant type: single nucleotide variant.
Coding change: c.89G>A on transcript NM_019842.4 (MANE Select); coding-DNA position 89, G replaced by A.
Protein change: p.Gly30Glu; replaces glycine 30 with glutamic acid.
Molecular consequence: missense variant.
Genome position (GRCh38, 1-based): chr6:72,622,278, G>A. VCF-style: chr6-72622278-G-A. GRCh37 (hg19) VCF-style: chr6-73332006-G-A.
Other names: c.89G>A (NM_001160133.1); c.89G>A, p.Gly30Glu (NM_001160130.2, NM_001160132.2, NM_001160133.2 and 1 more transcripts); short protein forms G30E.
Identifiers: ClinVar variation 1376073 (VCV001376073.7), dbSNP rs756542782, ClinGen allele CA364824127.

ClinVar aggregate classification (germline): Conflicting classifications of pathogenicity. Review status: criteria provided, conflicting classifications (1 of 4 stars). 3 submissions from 3 submitters: Uncertain significance (2); Benign (1). Last evaluated 2025-07-14.

Allele frequency attached by ClinVar (database versions not stated): gnomAD 0.00001; TOPMed 0.00002.
gnomAD v4.1: 40 of 1,277,012 alleles (0.0031%); highest among the groups gnomAD compares: Admixed American, 0.0041%; no homozygotes.

Submissions (3):

Labcorp Genetics (formerly Invitae), Labcorp
Classification: Benign. Last evaluated: 2025-07-14. Review status: criteria provided, single submitter. Criteria: Invitae Variant Classification Sherloc (09022015). Collection method: clinical testing. Allele origin: germline.

Greenwood Genetic Center Diagnostic Laboratories, Greenwood Genetic Center
Classification: Uncertain significance. Last evaluated: 2023-06-29. Review status: criteria provided, single submitter. Criteria: ACMG Guidelines, 2015. Collection method: clinical testing. Allele origin: germline. Affected: yes.
Comment: PM2

Blueprint Genetics
Classification: Uncertain significance. Last evaluated: 2020-11-05. Review status: criteria provided, single submitter. Criteria: ACMG Guidelines, 2015. Collection method: clinical testing. Allele origin: germline.